The following is an entry in ClinVar:

NM_000245.4(MET):c.2614G>A (p.Gly872Ser)

Gene: MET (MET proto-oncogene, receptor tyrosine kinase; plus strand). Cytogenetic location: 7q31.2.
Variant type: single nucleotide variant.
Coding change: c.2614G>A on transcript NM_000245.4 (MANE Select); coding-DNA position 2614, G replaced by A.
Protein change: p.Gly872Ser; replaces glycine 872 with serine.
Molecular consequence: missense variant.
Genome position (GRCh38, 1-based): chr7:116,769,675, G>A. VCF-style: chr7-116769675-G-A. GRCh37 (hg19) VCF-style: chr7-116409729-G-A.
Other names: c.2668G>A, p.Gly890Ser (NM_001127500.3); c.2614G>A, p.Gly872Ser (NM_001324401.3); c.1324G>A, p.Gly442Ser (NM_001324402.2); short protein forms G442S, G872S, G890S.
Identifiers: ClinVar variation 1003269 (VCV001003269.9), dbSNP rs1794767589, ClinGen allele CA368985374.

ClinVar aggregate classification (germline): Uncertain significance (1 of 4 stars; one submission).

Conditions:
Renal cell carcinoma. Identifiers: Orphanet 217071, MedGen C0007134, MeSH D002292, MONDO:0005086, HP:0005584.

Allele frequency attached by ClinVar (database versions not stated): gnomAD exomes below 0.00001.
gnomAD v4.1: 1 of 1,612,828 alleles (0.000062%); highest among the groups gnomAD compares: Non-Finnish European, 0.000085%; no homozygotes.

Submission:

Labcorp Genetics (formerly Invitae), Labcorp
Classification: Uncertain significance for Renal cell carcinoma. Last evaluated: 2020-02-17. Review status: criteria provided, single submitter. Criteria: Invitae Variant Classification Sherloc (09022015). Collection method: clinical testing. Allele origin: germline.
Comment: In summary, the available evidence is currently insufficient to determine the role of this variant in disease. Therefore, it has been classified as a Variant of Uncertain Significance. This sequence change replaces glycine with serine at codon 890 of the MET protein (p.Gly890Ser). The glycine residue is highly conserved and there is a small physicochemical difference between glycine and serine. This variant is not present in population databases (ExAC no frequency). This variant has not been reported in the literature in individuals with MET-related conditions. Algorithms developed to predict the effect of missense changes on protein structure and function are either unavailable or do not agree on the potential impact of this missense change (SIFT: "Tolerated"; PolyPhen-2: "Probably Damaging"; Align-GVGD: "Class C0").